The following is an entry in ClinVar:

NM_023935.3(DDRGK1):c.835G>A (p.Val279Met)

Gene: DDRGK1 (DDRGK domain containing 1; minus strand). Cytogenetic location: 20p13.
Variant type: single nucleotide variant.
Coding change: c.835G>A on transcript NM_023935.3 (MANE Select); coding-DNA position 835, G replaced by A.
Protein change: p.Val279Met; replaces valine 279 with methionine.
Molecular consequence: missense variant.
Genome position (GRCh38, 1-based): chr20:3,190,763, C>T on the plus strand (G>A on the coding strand, the complement: DDRGK1 is on the minus strand). VCF-style: chr20-3190763-C-T. GRCh37 (hg19) VCF-style: chr20-3171409-C-T.
Other names: c.835G>A (NM_023935.1); short protein forms V279M.
Identifiers: ClinVar variation 1436265 (VCV001436265.9), dbSNP rs1399647144, ClinGen allele CA408066430.
Genomic context (GRCh38, chr20:3,190,763, plus strand): 5'-TGCTGGCTTGGGCAAGCTCGGCGATGGACACCCGGCCCCGCTGTCGGATGAAGTTGGCCA[C>T]GGCGGCCAGTTCCTCTGGGGTTATGTAGATGAACTTGCCCCGGTCGTCAATCACACCTGT-3'
Protein context (NP_076424.1, residues 269-289): IYITPEELAA[Val279Met]ANFIRQRGRV

ClinVar aggregate classification (germline): Uncertain significance. Review status: criteria provided, multiple submitters, no conflicts (2 of 4 stars). 2 submissions from 2 submitters: Uncertain significance (2). Last evaluated 2023-12-20.

Conditions:
Inborn genetic diseases. Identifiers: MedGen C0950123, MeSH D030342.

Allele frequency attached by ClinVar (database versions not stated): gnomAD exomes 0.00001; gnomAD 0.00002.

Submissions (2):

Ambry Genetics
Classification: Uncertain significance for Inborn genetic diseases. Last evaluated: 2023-12-20. Review status: criteria provided, single submitter. Criteria: Ambry Variant Classification Scheme 2023. Collection method: clinical testing. Allele origin: germline.

Labcorp Genetics (formerly Invitae), Labcorp
Classification: Uncertain significance. Last evaluated: 2022-09-12. Review status: criteria provided, single submitter. Criteria: Invitae Variant Classification Sherloc (09022015). Collection method: clinical testing. Allele origin: germline.
Comment: This sequence change replaces valine, which is neutral and non-polar, with methionine, which is neutral and non-polar, at codon 279 of the DDRGK1 protein (p.Val279Met). In summary, the available evidence is currently insufficient to determine the role of this variant in disease. Therefore, it has been classified as a Variant of Uncertain Significance. Algorithms developed to predict the effect of missense changes on protein structure and function output the following: SIFT: "Not Available"; PolyPhen-2: "Benign"; Align-GVGD: "Not Available". The methionine amino acid residue is found in multiple mammalian species, which suggests that this missense change does not adversely affect protein function. ClinVar contains an entry for this variant (Variation ID: 1436265). This variant has not been reported in the literature in individuals affected with DDRGK1-related conditions. This variant is present in population databases (no rsID available, gnomAD 0.002%).